The following is an entry in ClinVar:

ClinVar aggregate classification (germline): Uncertain significance (1 of 4 stars; one submission).

Allele frequency attached by ClinVar (database versions not stated): ExAC 0.00002; gnomAD exomes 0.00002; TOPMed 0.00002; gnomAD 0.00003.
gnomAD v4.1: 26 of 1,613,876 alleles (0.0016%); highest among the groups gnomAD compares: Non-Finnish European, 0.0021%; no homozygotes.

Submission:

Labcorp Genetics (formerly Invitae), Labcorp
Classification: Uncertain significance. Last evaluated: 2025-07-01. Review status: criteria provided, single submitter. Criteria: Invitae Variant Classification Sherloc (09022015). Collection method: clinical testing. Allele origin: germline.
Comment: This sequence change replaces asparagine, which is neutral and polar, with serine, which is neutral and polar, at codon 903 of the RNF31 protein (p.Asn903Ser). This variant is present in population databases (rs770464670, gnomAD 0.003%). This variant has not been reported in the literature in individuals affected with RNF31-related conditions. ClinVar contains an entry for this variant (Variation ID: 1403662). An algorithm developed to predict the effect of missense changes on protein structure and function outputs the following: PolyPhen-2: "Benign". The serine amino acid residue is found in multiple mammalian species, which suggests that this missense change does not adversely affect protein function. In summary, the available evidence is currently insufficient to determine the role of this variant in disease. Therefore, it has been classified as a Variant of Uncertain Significance.

NM_017999.5(RNF31):c.2708A>G (p.Asn903Ser)

Gene: RNF31 (ring finger protein 31; plus strand). Cytogenetic location: 14q12.
Variant type: single nucleotide variant.
Coding change: c.2708A>G on transcript NM_017999.5 (MANE Select); coding-DNA position 2708, A replaced by G.
Protein change: p.Asn903Ser; replaces asparagine 903 with serine.
Molecular consequence: missense variant.
Genome position (GRCh38, 1-based): chr14:24,157,619, A>G. VCF-style: chr14-24157619-A-G. GRCh37 (hg19) VCF-style: chr14-24626828-A-G.
Other names: c.2255A>G, p.Asn752Ser (NM_001310332.2); short protein forms N903S, N752S.
Identifiers: ClinVar variation 1403662 (VCV001403662.8), dbSNP rs770464670, ClinGen allele CA7126139.